The following is an entry in ClinVar:

ClinVar aggregate classification (germline): Likely benign. Review status: criteria provided, multiple submitters, no conflicts (2 of 4 stars). 2 submissions from 2 submitters: Likely benign (2). Last evaluated 2025-02-20.

Conditions:
Long QT syndrome (LQTS). Identifiers: MedGen C0023976, MeSH D008133, MONDO:0002442. Disease mechanism: loss of function. Inheritance: Various modes of inheritance.

gnomAD v4.1: 2 of 1,612,094 alleles (0.00012%); highest among the groups gnomAD compares: Non-Finnish European, 0.00017%; no homozygotes.

Submissions (2):

Labcorp Genetics (formerly Invitae), Labcorp
Classification: Likely benign for Long QT syndrome. Last evaluated: 2025-02-20. Review status: criteria provided, single submitter. Criteria: Invitae Variant Classification Sherloc (09022015). Collection method: clinical testing. Allele origin: germline.

All of Us Research Program, National Institutes of Health
Classification: Likely benign for Long QT syndrome. Last evaluated: 2023-12-13. Review status: criteria provided, single submitter. Criteria: ACMG Guidelines, 2015. Collection method: clinical testing. Allele origin: germline. Inheritance: Autosomal dominant inheritance. Observed: 1 variant allele, 1 heterozygote.
Comment: This study involves interpretation of variants in research participants for the purpose of population health screening. Participant phenotype was not available at the time of variant classification. Additional details can be found in publication PMID: 35346344, PMCID: PMC8962531

NM_000218.3(KCNQ1):c.573G>A (p.Leu191=)

Gene: KCNQ1 (potassium voltage-gated channel subfamily Q member 1; plus strand). Cytogenetic location: 11p15.5.
Variant type: single nucleotide variant.
Coding change: c.573G>A on transcript NM_000218.3 (MANE Select); coding-DNA position 573, G replaced by A.
Protein change: p.Leu191=; no amino-acid change (leucine 191 retained).
Molecular consequence: synonymous variant. On other transcripts: intron variant (1).
Genome position (GRCh38, 1-based): chr11:2,570,723, G>A. VCF-style: chr11-2570723-G-A. GRCh37 (hg19) VCF-style: chr11-2591953-G-A.
Other names: c.573G>A, p.Leu191= (NM_001406836.1); c.303G>A, p.Leu101= (NM_001406837.1); c.192G>A, p.Leu64= (NM_181798.2); c.478-12712G>A (NM_001406838.1).
Identifiers: ClinVar variation 2050180 (VCV002050180.5), dbSNP rs764634277, ClinGen allele CA472037882.
Genomic context (GRCh38, chr11:2,570,723, plus strand): 5'-CGTGGTCCGCCTCTGGTCCGCCGGCTGCCGCAGCAAGTACGTGGGCCTCTGGGGGCGGCT[G>A]CGCTTTGCCCGGAAGCCCATTTCCATCATCGGTGAGTCATGCCTGCCCTGTGGAGGTCAC-3'
Protein context (NP_000209.2, residues 181-201): RSKYVGLWGR[Leu191=]RFARKPISII